The following is an entry in ClinVar:

NM_017617.5(NOTCH1):c.4663G>A (p.Glu1555Lys)

Gene: NOTCH1 (notch receptor 1; minus strand). Cytogenetic location: 9q34.3.
Variant type: single nucleotide variant.
Coding change: c.4663G>A on transcript NM_017617.5 (MANE Select); coding-DNA position 4663, G replaced by A.
Protein change: p.Glu1555Lys; replaces glutamic acid 1555 with lysine.
Molecular consequence: missense variant.
Genome position (GRCh38, 1-based): chr9:136,505,028, C>T on the plus strand (G>A on the coding strand, the complement: NOTCH1 is on the minus strand). VCF-style: chr9-136505028-C-T. GRCh37 (hg19) VCF-style: chr9-139399480-C-T.
Other names: c.4663G>A, p.Glu1555Lys (LRG_1122t1); short protein forms E1555K.
Identifiers: ClinVar variation 579405 (VCV000579405.14), dbSNP rs746342893, ClinGen allele CA5340542.

ClinVar aggregate classification (germline): Conflicting classifications of pathogenicity. Review status: criteria provided, conflicting classifications (1 of 4 stars). 3 submissions from 3 submitters: Uncertain significance (2); Likely benign (1). Last evaluated 2025-07-30.

Conditions:
Adams-Oliver syndrome 5 (AOS5). Identifiers: Orphanet 974, MedGen C4014970, MONDO:0014459, OMIM 616028.
Familial thoracic aortic aneurysm and aortic dissection (TAAD). Also called: Thoracic aortic aneurysms and dissections. Identifiers: Orphanet 91387, MedGen C4707243, MONDO:0019625.

Allele frequency attached by ClinVar (database versions not stated): gnomAD 0.00001; TOPMed 0.00002; gnomAD exomes 0.00004 and 0.00005; ExAC 0.00011.
gnomAD v4.1: 23 of 1,608,274 alleles (0.0014%); highest among the groups gnomAD compares: East Asian, 0.036%; no homozygotes.

Submissions (3):

Labcorp Genetics (formerly Invitae), Labcorp
Classification: Likely benign for Adams-Oliver syndrome 5. Last evaluated: 2025-07-30. Review status: criteria provided, single submitter. Criteria: Invitae Variant Classification Sherloc (09022015). Collection method: clinical testing. Allele origin: germline.

GeneDx
Classification: Uncertain significance. Last evaluated: 2024-05-08. Review status: criteria provided, single submitter. Criteria: GeneDx Variant Classification Process June 2021. Collection method: clinical testing. Allele origin: germline. Affected: yes.
Comment: Has not been previously published as pathogenic or benign to our knowledge; In silico analysis indicates that this missense variant does not alter protein structure/function

Ambry Genetics
Classification: Uncertain significance for Familial thoracic aortic aneurysm and aortic dissection. Last evaluated: 2024-03-01. Review status: criteria provided, single submitter. Criteria: Ambry Variant Classification Scheme 2023. Collection method: clinical testing. Allele origin: germline.